The following is an entry in ClinVar:

NM_014727.3(KMT2B):c.3703C>T (p.Arg1235Trp)

Gene: KMT2B (lysine methyltransferase 2B; plus strand). Cytogenetic location: 19q13.12.
Variant type: single nucleotide variant.
Coding change: c.3703C>T on transcript NM_014727.3 (MANE Select); coding-DNA position 3703, C replaced by T.
Protein change: p.Arg1235Trp; replaces arginine 1235 with tryptophan.
Molecular consequence: missense variant.
Genome position (GRCh38, 1-based): chr19:35,725,539, C>T. VCF-style: chr19-35725539-C-T. GRCh37 (hg19) VCF-style: chr19-36216440-C-T.
Other names: short protein forms R1235W.
Identifiers: ClinVar variation 3370756 (VCV003370756.4).

ClinVar aggregate classification (germline): Uncertain significance. Review status: criteria provided, multiple submitters, no conflicts (2 of 4 stars). 2 submissions from 2 submitters: Uncertain significance (2). Last evaluated 2026-05-01.

Submissions (2):

CeGaT Center for Human Genetics Tuebingen
Classification: Uncertain significance. Last evaluated: 2026-05-01. Review status: criteria provided, single submitter. Criteria: CeGaT Center For Human Genetics Tuebingen Variant Classification Criteria Version 2. Collection method: clinical testing. Allele origin: germline. Affected: yes. Observed: 1 variant allele.
Comment: KMT2B: PM2

GeneDx
Classification: Uncertain significance. Last evaluated: 2024-12-16. Review status: criteria provided, single submitter. Criteria: GeneDx Variant Classification Process June 2021. Collection method: clinical testing. Allele origin: germline. Affected: yes.
Comment: Not observed at significant frequency in large population cohorts (gnomAD); In silico analysis supports that this missense variant has a deleterious effect on protein structure/function; Has not been previously published as pathogenic or benign to our knowledge